The following is an entry in ClinVar:

ClinVar aggregate classification (germline): Likely benign. Review status: criteria provided, multiple submitters, no conflicts (2 of 4 stars). 4 submissions from 4 submitters: Likely benign (3). 1 of the submissions does not count toward it. Last evaluated 2023-06-14.

Conditions:
TCOF1-related disorder. Also called: TCOF1-related condition.
Treacher Collins syndrome 1 (TCS1). Also called: TCOF1-Related Treacher Collins Syndrome. Identifiers: Orphanet 861, MedGen CN315775, MONDO:0007944, OMIM 154500.

Allele frequency attached by ClinVar (database versions not stated): ExAC 0.00003; gnomAD exomes 0.00005.
gnomAD v4.1: 60 of 1,613,982 alleles (0.0037%); highest among the groups gnomAD compares: East Asian, 0.0045%; no homozygotes.

Submissions (4):

Labcorp Genetics (formerly Invitae), Labcorp
Classification: Likely benign for Treacher Collins syndrome 1. Last evaluated: 2023-06-14. Review status: criteria provided, single submitter. Criteria: Invitae Variant Classification Sherloc (09022015). Collection method: clinical testing. Allele origin: germline.

Blueprint Genetics
Classification: Likely benign. Last evaluated: 2023-04-20. Review status: criteria provided, single submitter. Criteria: ACMG Guidelines, 2015. Collection method: clinical testing. Allele origin: germline.

GeneDx
Classification: Likely benign. Last evaluated: 2020-08-03. Review status: criteria provided, single submitter. Criteria: GeneDx Variant Classification Process June 2021. Collection method: clinical testing. Allele origin: germline. Affected: yes.

PreventionGenetics, part of Exact Sciences
Classification: Likely benign for TCOF1-related condition. Last evaluated: 2020-10-07. Review status: no assertion criteria provided. Collection method: clinical testing. Allele origin: germline. Not counted in ClinVar's aggregate classification.
Comment: This variant is classified as likely benign based on ACMG/AMP sequence variant interpretation guidelines (Richards et al. 2015 PMID: 25741868, with internal and published modifications).

NM_001371623.1(TCOF1):c.633C>T (p.Asp211=)

Gene: TCOF1 (treacle ribosome biogenesis factor 1; plus strand). Cytogenetic location: 5q32.
Variant type: single nucleotide variant.
Coding change: c.633C>T on transcript NM_001371623.1 (MANE Select); coding-DNA position 633, C replaced by T.
Protein change: p.Asp211=; no amino-acid change (aspartic acid 211 retained).
Molecular consequence: synonymous variant.
Genome position (GRCh38, 1-based): chr5:150,369,596, C>T. VCF-style: chr5-150369596-C-T. GRCh37 (hg19) VCF-style: chr5-149749159-C-T.
Other names: c.633C>T, p.Asp211= (NM_000356.4, NM_001008657.3, NM_001135243.2 and 3 more transcripts).
Identifiers: ClinVar variation 1208102 (VCV001208102.9), dbSNP rs750978663, ClinGen allele CA3510615.
Genomic context (GRCh38, chr5:150,369,596, plus strand): 5'-GTCAGCGGGCCAGGCCGACAGCTCCAGCGAGGACACCTCCAGCTCCAGTGATGAGACAGA[C>T]GTGGAGGTAATTGCCACCCATCCCTAGGAGTTGCCCTCTCCCAGCCTCTAACCCTTCCAG-3'
Protein context (NP_001358552.1, residues 201-221): EDTSSSSDET[Asp211=]VEGKPSVKPA